The following is an entry in ClinVar:

NM_001122681.2(SH3BP2):c.1117A>G (p.Met373Val)

Gene: SH3BP2 (SH3 domain binding protein 2; plus strand). Cytogenetic location: 4p16.3.
Variant type: single nucleotide variant.
Coding change: c.1117A>G on transcript NM_001122681.2 (MANE Select); coding-DNA position 1117, A replaced by G.
Protein change: p.Met373Val; replaces methionine 373 with valine.
Molecular consequence: missense variant.
Genome position (GRCh38, 1-based): chr4:2,830,023, A>G. VCF-style: chr4-2830023-A-G. GRCh37 (hg19) VCF-style: chr4-2831750-A-G.
Other names: c.1201A>G, p.Met401Val (NM_001145855.2); c.1288A>G, p.Met430Val (NM_001145856.2); c.1117A>G, p.Met373Val (NM_003023.4); short protein forms M373V, M401V, M430V.
Identifiers: ClinVar variation 1026770 (VCV001026770.8), dbSNP rs1242360913, ClinGen allele CA356057187.

ClinVar aggregate classification (germline): Uncertain significance (1 of 4 stars; one submission).

Conditions:
Fibrous dysplasia of jaw (CRBM). Also called: Cherubism. Identifiers: Orphanet 184, MedGen C0008029, MONDO:0007315, OMIM 118400.

Allele frequency attached by ClinVar (database versions not stated): gnomAD 0.00002; gnomAD exomes 0.00002; TOPMed 0.00002.
gnomAD v4.1: 30 of 1,612,782 alleles (0.0019%); highest among the groups gnomAD compares: Non-Finnish European, 0.0025%; no homozygotes.

Submission:

Labcorp Genetics (formerly Invitae), Labcorp
Classification: Uncertain significance for Fibrous dysplasia of jaw. Last evaluated: 2025-11-19. Review status: criteria provided, single submitter. Criteria: Invitae Variant Classification Sherloc (09022015). Collection method: clinical testing. Allele origin: germline.
Comment: This sequence change replaces methionine, which is neutral and non-polar, with valine, which is neutral and non-polar, at codon 373 of the SH3BP2 protein (p.Met373Val). This variant is present in population databases (no rsID available, gnomAD 0.007%). This variant has not been reported in the literature in individuals affected with SH3BP2-related conditions. ClinVar contains an entry for this variant (Variation ID: 1026770). Invitae Evidence Modeling of protein sequence and biophysical properties (such as structural, functional, and spatial information, amino acid conservation, physicochemical variation, residue mobility, and thermodynamic stability) indicates that this missense variant is not expected to disrupt SH3BP2 protein function with a negative predictive value of 80%. In summary, the available evidence is currently insufficient to determine the role of this variant in disease. Therefore, it has been classified as a Variant of Uncertain Significance.